The following is an entry in ClinVar:

NM_022124.6(CDH23):c.3430+352C>T

Genes: C10orf105 (chromosome 10 open reading frame 105; minus strand), CDH23 (cadherin related 23; plus strand). Cytogenetic location: 10q22.1.
Variant type: single nucleotide variant.
Coding change: c.3430+352C>T on transcript NM_022124.6 (MANE Select); 352 bases into the intron after coding-DNA position 3430, C replaced by T.
Molecular consequence: intron variant.
Genome position (GRCh38, 1-based): chr10:71,724,457, C>T. VCF-style: chr10-71724457-C-T. GRCh37 (hg19) VCF-style: chr10-73484214-C-T.
Other names: c.3430+352C>T (NM_001171930.2); c.-5-8115G>A (NM_001168390.2).
Identifiers: ClinVar variation 3338162 (VCV003338162.1).

ClinVar aggregate classification (germline): Uncertain significance (0 of 4 stars; one submission).

Conditions:
Hearing impairment. Also called: Impaired Hearing. Identifiers: MedGen C1384666, MONDO:0005365, HP:0000365.

gnomAD v4.1: 3 of 152,330 alleles (0.002%); highest among the groups gnomAD compares: Non-Finnish European, 0.0029%; no homozygotes.

Submission:

Joint Genome Diagnostic Labs from Nijmegen and Maastricht, Radboudumc and MUMC+
Classification: Uncertain significance for hearing impairment. Review status: no assertion criteria provided. Collection method: clinical testing. Allele origin: germline. Affected: yes.
Comment: Predicted effect on splicing not confirmed with minigene assay